The following is an entry in ClinVar:

NM_000135.4(FANCA):c.3420C>T (p.Asn1140=)

Gene: FANCA (FA complementation group A; minus strand). Cytogenetic location: 16q24.3.
Variant type: single nucleotide variant.
Coding change: c.3420C>T on transcript NM_000135.4 (MANE Select); coding-DNA position 3420, C replaced by T.
Protein change: p.Asn1140=; no amino-acid change (asparagine 1140 retained).
Molecular consequence: synonymous variant.
Genome position (GRCh38, 1-based): chr16:89,746,677, G>A on the plus strand (C>T on the coding strand, the complement: FANCA is on the minus strand). VCF-style: chr16-89746677-G-A. GRCh37 (hg19) VCF-style: chr16-89813085-G-A.
Other names: c.3420C>T, p.Asn1140= (NM_001286167.3); c.3420C>T (NM_000135.3).
Identifiers: ClinVar variation 1164137 (VCV001164137.42), dbSNP rs369765552, ClinGen allele CA8251158.

ClinVar aggregate classification (germline): Benign/Likely benign. Review status: criteria provided, multiple submitters, no conflicts (2 of 4 stars). 8 submissions from 8 submitters: Benign (1); Likely benign (6). 1 of the submissions does not count toward it. Last evaluated 2024-10-04.

Conditions:
Inborn genetic diseases. Identifiers: MedGen C0950123, MeSH D030342.
Fanconi anemia complementation group A (FANCA). Also called: Fanconi anemia, group A; FANCA-Related Fanconi Anemia. Identifiers: Orphanet 84, MedGen C3469521, MONDO:0009215, OMIM 227650.
FANCA-related disorder. Also called: FANCA-related condition.
Fanconi anemia (FA). Also called: Fanconi's anemia. Identifiers: Orphanet 84, MedGen C0015625, MeSH D005199, MONDO:0019391.

Allele frequency attached by ClinVar (database versions not stated): gnomAD exomes 0.00005 and 0.00009; TOPMed 0.00005; gnomAD 0.00007 and 0.00009; ESP Exome Variant Server 0.00008; ExAC 0.00012; 1000 Genomes Project 30x 0.00016; 1000 Genomes Project 0.00020.
gnomAD v4.1: 84 of 1,614,110 alleles (0.0052%); highest among the groups gnomAD compares: South Asian, 0.065%; 1 homozygote.

Submissions (8):

Ambry Genetics
Classification: Likely benign for Inborn genetic diseases. Last evaluated: 2024-10-04. Review status: criteria provided, single submitter. Criteria: Ambry Variant Classification Scheme 2023. Collection method: clinical testing. Allele origin: germline.

Labcorp Genetics (formerly Invitae), Labcorp
Classification: Benign for Fanconi anemia. Last evaluated: 2024-04-08. Review status: criteria provided, single submitter. Criteria: Invitae Variant Classification Sherloc (09022015). Collection method: clinical testing. Allele origin: germline.

CeGaT Center for Human Genetics Tuebingen
Classification: Likely benign. Last evaluated: 2023-04-01. Review status: criteria provided, single submitter. Criteria: CeGaT Center For Human Genetics Tuebingen Variant Classification Criteria Version 2. Collection method: clinical testing. Allele origin: germline. Affected: yes. Observed: 1 variant allele.
Comment: FANCA: BP4, BP7

Blueprint Genetics
Classification: Likely benign. Last evaluated: 2022-12-22. Review status: criteria provided, single submitter. Criteria: ACMG Guidelines, 2015. Collection method: clinical testing. Allele origin: germline.

Quest Diagnostics Nichols Institute San Juan Capistrano
Classification: Likely benign. Last evaluated: 2022-10-28. Review status: criteria provided, single submitter. Criteria: Quest Diagnostics criteria. Collection method: clinical testing. Allele origin: unknown.

Fulgent Genetics
Classification: Likely benign for Fanconi anemia complementation group A. Last evaluated: 2022-05-25. Review status: criteria provided, single submitter. Criteria: ACMG Guidelines, 2015. Collection method: clinical testing. Allele origin: unknown.

Genetic Services Laboratory, University of Chicago
Classification: Likely benign. Last evaluated: 2018-04-18. Review status: criteria provided, single submitter. Criteria: ACMG Guidelines, 2015. Collection method: clinical testing. Allele origin: germline. Affected: no.

PreventionGenetics, part of Exact Sciences
Classification: Likely benign for FANCA-related condition. Last evaluated: 2023-07-21. Review status: no assertion criteria provided. Collection method: clinical testing. Allele origin: germline. Not counted in ClinVar's aggregate classification.
Comment: This variant is classified as likely benign based on ACMG/AMP sequence variant interpretation guidelines (Richards et al. 2015 PMID: 25741868, with internal and published modifications).